The following is an entry in ClinVar:

NM_002723.6(PRB4):c.441A>G (p.Gln147=)

Gene: PRB4 (proline rich protein BstNI subfamily 4; minus strand). Cytogenetic location: 12p13.2.
Variant type: single nucleotide variant.
Coding change: c.441A>G on transcript NM_002723.6 (MANE Select); coding-DNA position 441, A replaced by G.
Protein change: p.Gln147=; no amino-acid change (glutamine 147 retained).
Molecular consequence: synonymous variant. On other transcripts: intron variant (1).
Genome position (GRCh38, 1-based): chr12:11,308,542, T>C on the plus strand (A>G on the coding strand, the complement: PRB4 is on the minus strand). VCF-style: chr12-11308542-T-C. GRCh37 (hg19) VCF-style: chr12-11461476-T-C.
Other names: c.335-101A>G (NM_001261399.3).
Identifiers: ClinVar variation 2642717 (VCV002642717.24), dbSNP rs1172468624, ClinGen allele CA478842354.

ClinVar aggregate classification (germline): Likely benign (1 of 4 stars; one submission).

Submission:

CeGaT Center for Human Genetics Tuebingen
Classification: Likely benign. Last evaluated: 2024-05-01. Review status: criteria provided, single submitter. Criteria: CeGaT Center For Human Genetics Tuebingen Variant Classification Criteria Version 2. Collection method: clinical testing. Allele origin: germline. Affected: yes. Observed: 2 variant alleles.
Comment: PRB4: PM2:Supporting, BP4, BP7